The following is an entry in ClinVar:

ClinVar aggregate classification (germline): Conflicting classifications of pathogenicity. Review status: criteria provided, conflicting classifications (1 of 4 stars). 2 submissions from 2 submitters: Uncertain significance (1); Likely benign (1). Last evaluated 2024-10-23.

Allele frequency attached by ClinVar (database versions not stated): gnomAD exomes 0.00001; TOPMed 0.00001; gnomAD 0.00002; ExAC 0.00005; ESP Exome Variant Server 0.00008.
gnomAD v4.1: 23 of 1,612,712 alleles (0.0014%); highest among the groups gnomAD compares: East Asian, 0.0045%; no homozygotes.

Submissions (2):

Labcorp Genetics (formerly Invitae), Labcorp
Classification: Uncertain significance. Last evaluated: 2024-10-23. Review status: criteria provided, single submitter. Criteria: Invitae Variant Classification Sherloc (09022015). Collection method: clinical testing. Allele origin: germline.
Comment: This sequence change falls in intron 45 of the LAMA1 gene. It does not directly change the encoded amino acid sequence of the LAMA1 protein. This variant is present in population databases (rs368658599, gnomAD 0.01%). This variant has not been reported in the literature in individuals affected with LAMA1-related conditions. Algorithms developed to predict the effect of sequence changes on RNA splicing suggest that this variant may create or strengthen a splice site. In summary, the available evidence is currently insufficient to determine the role of this variant in disease. Therefore, it has been classified as a Variant of Uncertain Significance.

Women's Health and Genetics/Laboratory Corporation of America, LabCorp
Classification: Likely benign. Last evaluated: 2024-03-01. Review status: criteria provided, single submitter. Criteria: LabCorp Variant Classification Summary - May 2015. Collection method: clinical testing. Allele origin: germline.

NM_005559.4(LAMA1):c.6490-9G>A

Gene: LAMA1 (laminin subunit alpha 1; minus strand). Cytogenetic location: 18p11.31.
Variant type: single nucleotide variant.
Coding change: c.6490-9G>A on transcript NM_005559.4 (MANE Select); 9 bases into the intron before coding-DNA position 6490, G replaced by A.
Molecular consequence: intron variant.
Genome position (GRCh38, 1-based): chr18:6,975,045, C>T on the plus strand (G>A on the coding strand, the complement: LAMA1 is on the minus strand). VCF-style: chr18-6975045-C-T. GRCh37 (hg19) VCF-style: chr18-6975044-C-T.
Identifiers: ClinVar variation 2970721 (VCV002970721.5), dbSNP rs368658599, ClinGen allele CA8881207.